The following is an entry in ClinVar:

ClinVar aggregate classification (germline): Uncertain significance. Review status: criteria provided, multiple submitters, no conflicts (2 of 4 stars). 2 submissions from 2 submitters: Uncertain significance (2). Last evaluated 2025-05-21.

Conditions:
Hereditary cancer-predisposing syndrome. Also called: Tumor predisposition; Neoplastic Syndromes, Hereditary; Hereditary Cancer Syndrome; Hereditary neoplastic syndrome. Identifiers: Orphanet 140162, MedGen C0027672, MeSH D009386, MONDO:0015356.
Gorlin syndrome. Also called: Nevoid Basal Cell Carcinoma Syndrome; Basal cell nevus syndrome. Identifiers: Orphanet 377, MedGen C0004779, MONDO:0007187.

Allele frequency attached by ClinVar (database versions not stated): gnomAD exomes below 0.00001.
gnomAD v4.1: 3 of 1,612,694 alleles (0.00019%); highest among the groups gnomAD compares: Non-Finnish European, 0.00025%; no homozygotes.

Submissions (2):

Ambry Genetics
Classification: Uncertain significance for Hereditary cancer-predisposing syndrome. Last evaluated: 2025-05-21. Review status: criteria provided, single submitter. Criteria: Ambry Variant Classification Scheme 2023. Collection method: clinical testing. Allele origin: germline.
Comment: The p.Q64E variant (also known as c.190C>G), located in coding exon 1 of the PTCH1 gene, results from a C to G substitution at nucleotide position 190. The glutamine at codon 64 is replaced by glutamic acid, an amino acid with highly similar properties. This amino acid position is highly conserved in available vertebrate species. In addition, the in silico prediction for this alteration is inconclusive. Since supporting evidence is limited at this time, the clinical significance of this alteration remains unclear.

Labcorp Genetics (formerly Invitae), Labcorp
Classification: Uncertain significance for Gorlin syndrome. Last evaluated: 2024-02-02. Review status: criteria provided, single submitter. Criteria: Invitae Variant Classification Sherloc (09022015). Collection method: clinical testing. Allele origin: germline.
Comment: This sequence change replaces glutamine, which is neutral and polar, with glutamic acid, which is acidic and polar, at codon 64 of the PTCH1 protein (p.Gln64Glu). This variant is not present in population databases (gnomAD no frequency). This variant has not been reported in the literature in individuals affected with PTCH1-related conditions. ClinVar contains an entry for this variant (Variation ID: 1782475). Advanced modeling of protein sequence and biophysical properties (such as structural, functional, and spatial information, amino acid conservation, physicochemical variation, residue mobility, and thermodynamic stability) performed at Invitae indicates that this missense variant is not expected to disrupt PTCH1 protein function with a negative predictive value of 95%. In summary, the available evidence is currently insufficient to determine the role of this variant in disease. Therefore, it has been classified as a Variant of Uncertain Significance.

NM_000264.5(PTCH1):c.190C>G (p.Gln64Glu)

Gene: PTCH1 (patched 1; minus strand). Cytogenetic location: 9q22.32.
Variant type: single nucleotide variant.
Coding change: c.190C>G on transcript NM_000264.5 (MANE Select); coding-DNA position 190, C replaced by G.
Protein change: p.Gln64Glu; replaces glutamine 64 with glutamic acid.
Molecular consequence: missense variant. On other transcripts: non-coding transcript variant (1), intron variant (3).
Genome position (GRCh38, 1-based): chr9:95,508,172, G>C on the plus strand (C>G on the coding strand, the complement: PTCH1 is on the minus strand). VCF-style: chr9-95508172-G-C. GRCh37 (hg19) VCF-style: chr9-98270454-G-C.
Other names: c.190C>G, p.Gln64Glu (NM_001354918.2); c.199-1573C>G (NM_001083603.3); c.4-1573C>G (NM_001083602.3, NM_001354919.2); short protein forms Q64E.
Identifiers: ClinVar variation 1782475 (VCV001782475.6), dbSNP rs2118906370, ClinGen allele CA374121262.